The following is an entry in ClinVar:

ClinVar aggregate classification (germline): Likely benign (0 of 4 stars; one submission).

Conditions:
DOCK3-related disorder. Also called: DOCK3-related condition.

Submission:

PreventionGenetics, part of Exact Sciences
Classification: Likely benign for DOCK3-related condition. Last evaluated: 2019-02-28. Review status: no assertion criteria provided. Collection method: clinical testing. Allele origin: germline.
Comment: This variant is classified as likely benign based on ACMG/AMP sequence variant interpretation guidelines (Richards et al. 2015 PMID: 25741868, with internal and published modifications).

NM_004947.5(DOCK3):c.5556A>C (p.Pro1852=)

Gene: DOCK3 (dedicator of cytokinesis 3; plus strand). Cytogenetic location: 3p21.2.
Variant type: single nucleotide variant.
Coding change: c.5556A>C on transcript NM_004947.5 (MANE Select); coding-DNA position 5556, A replaced by C.
Protein change: p.Pro1852=; no amino-acid change (proline 1852 retained).
Molecular consequence: synonymous variant.
Genome position (GRCh38, 1-based): chr3:51,380,180, A>C. VCF-style: chr3-51380180-A-C. GRCh37 (hg19) VCF-style: chr3-51417611-A-C.
Identifiers: ClinVar variation 3057444 (VCV003057444.2), dbSNP rs782401751, ClinGen allele CA433731837.
Genomic context (GRCh38, chr3:51,380,180, plus strand): 5'-TGCAGGTCATTACTCCCTACACTTTGACGCCTTCCACCACCCTCTGGGTGATACCCCCCC[A>C]GCCCTCCCTGCCCGGACCCTGCGCAAGGTAATGTACTGAAGCGGCAGCCCCACCAGGCTG-3'
Protein context (NP_004938.1, residues 1842-1862): AFHHPLGDTP[Pro1852=]ALPARTLRKS